The following is an entry in ClinVar:

NM_001160148.2(DDHD1):c.1396+210T>C

Gene: DDHD1 (DDHD domain containing 1; minus strand). Cytogenetic location: 14q22.1.
Variant type: single nucleotide variant.
Coding change: c.1396+210T>C on transcript NM_001160148.2 (MANE Select); 210 bases into the intron after coding-DNA position 1396, T replaced by C.
Molecular consequence: intron variant.
Genome position (GRCh38, 1-based): chr14:53,073,531, A>G on the plus strand (T>C on the coding strand, the complement: DDHD1 is on the minus strand). VCF-style: chr14-53073531-A-G. GRCh37 (hg19) VCF-style: chr14-53540249-A-G.
Other names: c.1396+210T>C (NM_030637.3); c.1417+210T>C (NM_001160147.2).
Identifiers: ClinVar variation 679272 (VCV000679272.1), dbSNP rs1959351, ClinGen allele CA260976382.

ClinVar aggregate classification (germline): Benign (1 of 4 stars; one submission).

Allele frequency attached by ClinVar (database versions not stated): TOPMed 0.77785; gnomAD 0.78199 and 0.78925; 1000 Genomes Project 30x 0.81012; 1000 Genomes Project 0.81909.
gnomAD v4.1: 120,046 of 151,990 alleles (79%); highest among the groups gnomAD compares: East Asian, 98%; 48,292 homozygotes.

Submission:

GeneDx
Classification: Benign. Last evaluated: 2018-06-14. Review status: criteria provided, single submitter. Criteria: GeneDx Variant Classification (06012015). Collection method: clinical testing. Allele origin: germline. Affected: yes.
Comment: This variant is considered likely benign or benign based on one or more of the following criteria: it is a conservative change, it occurs at a poorly conserved position in the protein, it is predicted to be benign by multiple in silico algorithms, and/or has population frequency not consistent with disease.